The following is an entry in ClinVar:

NM_001142800.2(EYS):c.8984T>C (p.Ile2995Thr)

Genes: EYS (EGF-like photoreceptor maintenance factor; minus strand), PHF3 (PHD finger protein 3; plus strand). Cytogenetic location: 6q12.
Variant type: single nucleotide variant.
Coding change: c.8984T>C on transcript NM_001142800.2 (MANE Select); coding-DNA position 8984, T replaced by C.
Protein change: p.Ile2995Thr; replaces isoleucine 2995 with threonine.
Molecular consequence: missense variant. On other transcripts: 3 prime UTR variant (5).
Genome position (GRCh38, 1-based): chr6:63,721,047, A>G on the plus strand (T>C on the coding strand, the complement: EYS is on the minus strand). VCF-style: chr6-63721047-A-G. GRCh37 (hg19) VCF-style: chr6-64430943-A-G.
Other names: c.*7339A>G (NM_001290259.2, NM_001370348.2, NM_001370349.2 and 2 more transcripts); c.9047T>C, p.Ile3016Thr (NM_001292009.2); short protein forms I2995T, I3016T.
Identifiers: ClinVar variation 2101728 (VCV002101728.4), dbSNP rs1211856182, ClinGen allele CA364383525.

ClinVar aggregate classification (germline): Uncertain significance (1 of 4 stars; one submission).

gnomAD v4.1: 1 of 1,551,366 alleles (0.000064%); highest among the groups gnomAD compares: Admixed American, 0.002%; no homozygotes.

Submission:

Labcorp Genetics (formerly Invitae), Labcorp
Classification: Uncertain significance. Last evaluated: 2025-03-17. Review status: criteria provided, single submitter. Criteria: Invitae Variant Classification Sherloc (09022015). Collection method: clinical testing. Allele origin: germline.
Comment: This sequence change replaces isoleucine, which is neutral and non-polar, with threonine, which is neutral and polar, at codon 2995 of the EYS protein (p.Ile2995Thr). This variant is present in population databases (no rsID available, gnomAD 0.004%). This variant has not been reported in the literature in individuals affected with EYS-related conditions. ClinVar contains an entry for this variant (Variation ID: 2101728). Invitae Evidence Modeling of protein sequence and biophysical properties (such as structural, functional, and spatial information, amino acid conservation, physicochemical variation, residue mobility, and thermodynamic stability) indicates that this missense variant is expected to disrupt EYS protein function with a positive predictive value of 80%. This variant disrupts the p.Ile2995 amino acid residue in EYS. Other variant(s) that disrupt this residue have been determined to be pathogenic (PMID: 20537394, 29159838). This suggests that this residue is clinically significant, and that variants that disrupt this residue are likely to be disease-causing. In summary, the available evidence is currently insufficient to determine the role of this variant in disease. Therefore, it has been classified as a Variant of Uncertain Significance.

Literature cited by the submitters: PubMed 20537394; PubMed 29159838.